The following is an entry in ClinVar:

NM_017999.5(RNF31):c.601C>T (p.Pro201Ser)

Gene: RNF31 (ring finger protein 31; plus strand). Cytogenetic location: 14q12.
Variant type: single nucleotide variant.
Coding change: c.601C>T on transcript NM_017999.5 (MANE Select); coding-DNA position 601, C replaced by T.
Protein change: p.Pro201Ser; replaces proline 201 with serine.
Molecular consequence: missense variant.
Genome position (GRCh38, 1-based): chr14:24,148,846, C>T. VCF-style: chr14-24148846-C-T. GRCh37 (hg19) VCF-style: chr14-24618055-C-T.
Other names: c.148C>T, p.Pro50Ser (NM_001310332.2); short protein forms P201S, P50S.
Identifiers: ClinVar variation 4155647 (VCV004155647.2).
Genomic context (GRCh38, chr14:24,148,846, plus strand): 5'-CCCTTTCTTTTTCAGATGCTGCAGCTTTCAGAATTTGACCCCCTATTGAGAGAGATTGCT[C>T]CTGGCCCCCTCACCACACCCTCTGTCCCAGGTATTATTGGTCCTAAATTGGGGACCAGGT-3'
Protein context (NP_060469.4, residues 191-211): EFDPLLREIA[Pro201Ser]GPLTTPSVPG

ClinVar aggregate classification (germline): Uncertain significance. Review status: criteria provided, multiple submitters, no conflicts (2 of 4 stars). 2 submissions from 2 submitters: Uncertain significance (2). Last evaluated 2025-10-21.

gnomAD v4.1: 2 of 1,614,076 alleles (0.00012%); highest among the groups gnomAD compares: Non-Finnish European, 0.00017%; no homozygotes.

Submissions (2):

Labcorp Genetics (formerly Invitae), Labcorp
Classification: Uncertain significance. Last evaluated: 2025-10-21. Review status: criteria provided, single submitter. Criteria: Invitae Variant Classification Sherloc (09022015). Collection method: clinical testing. Allele origin: germline.
Comment: This sequence change replaces proline, which is neutral and non-polar, with serine, which is neutral and polar, at codon 201 of the RNF31 protein (p.Pro201Ser). This variant is present in population databases (rs762978472, gnomAD 0.005%). This variant has not been reported in the literature in individuals affected with RNF31-related conditions. ClinVar contains an entry for this variant (Variation ID: 4155647). An algorithm developed to predict the effect of missense changes on protein structure and function outputs the following: PolyPhen-2: "Benign". The serine amino acid residue is found in multiple mammalian species, which suggests that this missense change does not adversely affect protein function. In summary, the available evidence is currently insufficient to determine the role of this variant in disease. Therefore, it has been classified as a Variant of Uncertain Significance.

Ambry Genetics
Classification: Uncertain significance. Last evaluated: 2025-09-01. Review status: criteria provided, single submitter. Criteria: Ambry Variant Classification Scheme 2023. Collection method: clinical testing. Allele origin: germline.